The following is an entry in ClinVar:

NM_001374353.1(GLI2):c.1428C>T (p.His476=)

Gene: GLI2 (GLI family zinc finger 2; plus strand). Cytogenetic location: 2q14.2.
Variant type: single nucleotide variant.
Coding change: c.1428C>T on transcript NM_001374353.1 (MANE Select); coding-DNA position 1428, C replaced by T.
Protein change: p.His476=; no amino-acid change (histidine 476 retained).
Molecular consequence: synonymous variant.
Genome position (GRCh38, 1-based): chr2:120,978,544, C>T. VCF-style: chr2-120978544-C-T. GRCh37 (hg19) VCF-style: chr2-121736120-C-T.
Other names: c.1479C>T, p.His493= (NM_001371271.1, NM_005270.5); c.1053C>T, p.His351= (NM_001374354.1); c.1479C>T (NM_005270.4).
Identifiers: ClinVar variation 2936183 (VCV002936183.5), dbSNP rs763503227, ClinGen allele CA1851911.
Genomic context (GRCh38, chr2:120,978,544, plus strand): 5'-CTGGCAGGCCTGCACGCGGGAGCAGAAGCCCTTCAAGGCGCAGTACATGCTGGTGGTGCA[C>T]ATGCGGCGACACACGGGCGAGAAGCCCCACAAGTGCACGGTGAGTGGCCTTCTCCCCACC-3'
Protein context (NP_001361282.1, residues 466-486): PFKAQYMLVV[His476=]MRRHTGEKPH

ClinVar aggregate classification (germline): Likely benign. Review status: criteria provided, single submitter (1 of 4 stars). 2 submissions from 2 submitters: Likely benign (1). 1 of the submissions does not count toward it. Last evaluated 2025-03-31.

Conditions:
GLI2-related disorder. Also called: GLI2-related condition; GLI2-related disorders.
Holoprosencephaly 9 (HPE9). Also called: PITUITARY ANOMALIES WITH HOLOPROSENCEPHALY-LIKE FEATURES; HOLOPROSENCEPHALY WITH MICROPHTHALMIA AND FIRST BRANCHIAL ARCH ANOMALIES. Identifiers: Orphanet 2162, MedGen C1835819, MONDO:0012563, OMIM 610829.
Postaxial polydactyly-anterior pituitary anomalies-facial dysmorphism syndrome. Also called: Culler-Jones syndrome. Identifiers: Orphanet 420584, MedGen C4014479, MONDO:0014369, OMIM 615849.

Allele frequency attached by ClinVar (database versions not stated): TOPMed below 0.00001; ExAC 0.00001; gnomAD exomes 0.00001.
gnomAD v4.1: 12 of 1,614,028 alleles (0.00074%); highest among the groups gnomAD compares: Non-Finnish European, 0.00085%; no homozygotes.

Submissions (2):

Labcorp Genetics (formerly Invitae), Labcorp
Classification: Likely benign for Postaxial polydactyly-anterior pituitary anomalies-facial dysmorphism syndrome; Holoprosencephaly 9. Last evaluated: 2025-03-31. Review status: criteria provided, single submitter. Criteria: Invitae Variant Classification Sherloc (09022015). Collection method: clinical testing. Allele origin: germline.

PreventionGenetics, part of Exact Sciences
Classification: Likely benign for GLI2-related condition. Last evaluated: 2021-08-19. Review status: no assertion criteria provided. Collection method: clinical testing. Allele origin: germline. Not counted in ClinVar's aggregate classification.
Comment: This variant is classified as likely benign based on ACMG/AMP sequence variant interpretation guidelines (Richards et al. 2015 PMID: 25741868, with internal and published modifications).